The following is an entry in ClinVar:

ClinVar aggregate classification (germline): Pathogenic/Likely pathogenic. Review status: criteria provided, multiple submitters, no conflicts (2 of 4 stars). 3 submissions from 3 submitters: Pathogenic (2); Likely pathogenic (1). Last evaluated 2026-02-10.

Conditions:
PKD1-related disorder. Also called: PKD1-related condition.
Polycystic kidney disease, adult type (PKD1). Also called: Polycystic Kidney Disease 1, Autosomal Dominant; Polycystic kidney disease 1; Polycystic kidney disease 1, severe; Polycystic Kidney, Autosomal Dominant; POLYCYSTIC KIDNEY DISEASE, ADULT, TYPE I; POLYCYSTIC KIDNEY DISEASE 1 WITH OR WITHOUT POLYCYSTIC LIVER DISEASE. Identifiers: MedGen C3149841, MONDO:0008263, OMIM 173900.

Submissions (3):

Victorian Clinical Genetics Services, Murdoch Childrens Research Institute
Classification: Pathogenic for Polycystic kidney disease, adult type. Last evaluated: 2026-02-10. Review status: criteria provided, single submitter. Criteria: ACMG Guidelines, 2015. Collection method: clinical testing. Allele origin: germline. Affected: yes.
Comment: This variant is classified as Pathogenic. Evidence in support of pathogenic classification: Variant is predicted to cause nonsense-mediated decay (NMD) and loss of protein (premature termination codon is located at least 54 nucleotides upstream of the final exon-exon junction); Variant is absent from gnomAD (v2, v3 and v4); This variant has moderate previous evidence of pathogenicity in unrelated individuals. This variant has been reported in the literature in individuals affected with ADPKD (PMID: 27165007, 38541974). It has been classified as pathogenic by a clinical laboratory in ClinVar; Other NMD-predicted variant(s) comparable to the one identified in this case have very strong previous evidence for pathogenicity (DECIPHER). Additional information: This variant is heterozygous; This gene is associated with autosomal dominant disease. Polycystic kidney disease 1 (MIM#173900) is predominantly caused by monoallelic variants, with rare reports of biallelic variants causing disease (OMIM); Loss of function is a known mechanism of disease in this gene and is associated with polycystic kidney disease 1 (MIM#173900); Inheritance information for this variant is not currently available in this individual.

Fulgent Genetics
Classification: Pathogenic for Polycystic kidney disease, adult type. Last evaluated: 2024-02-09. Review status: criteria provided, single submitter. Criteria: ACMG Guidelines, 2015. Collection method: clinical testing. Allele origin: germline.

Blueprint Genetics
Classification: Likely pathogenic for PKD1-related disorders. Last evaluated: 2022-05-12. Review status: criteria provided, single submitter. Criteria: ACMG Guidelines, 2015. Collection method: clinical testing. Allele origin: germline. Affected: yes. Observed: 1 variant allele.

Literature cited by the submitters: PubMed 38541974 (cited by Victorian Clinical Genetics Services, Murdoch Childrens Research Institute); PubMed 27165007 (cited by Victorian Clinical Genetics Services, Murdoch Childrens Research Institute).

NM_001009944.3(PKD1):c.10759dup (p.Ala3587fs)

Genes: PKD1 (polycystin 1, transient receptor potential channel interacting; minus strand), PKD1-AS1 (PKD1 antisense RNA 1; plus strand). Cytogenetic location: 16p13.3.
Variant type: Duplication.
Coding change: c.10759dup on transcript NM_001009944.3 (MANE Select); coding-DNA position 10759, one base duplicated (G; older notation c.10759dupG).
Protein change: p.Ala3587fs; shifts the reading frame from alanine 3587.
Molecular consequence: frameshift variant.
Genome position (GRCh38, 1-based): chr16:2,093,873, C duplicated on the plus strand (G on the coding strand, the reverse complement: PKD1 is on the minus strand). VCF-style (leftmost placement, unchanged base first): chr16-2093872-G-GC. GRCh37 (hg19) VCF-style: chr16-2143873-G-GC.
Other names: c.10756dup, p.Ala3586fs (NM_000296.4); short protein forms A3586fs, A3587fs.
Identifiers: ClinVar variation 3578990 (VCV003578990.3).